The following is an entry in ClinVar:

ClinVar aggregate classification (germline): Uncertain significance (1 of 4 stars; one submission).

Allele frequency attached by ClinVar (database versions not stated): gnomAD exomes below 0.00001.
gnomAD v4.1: 1 of 1,198,530 alleles (0.000083%); no homozygotes.

Submission:

Labcorp Genetics (formerly Invitae), Labcorp
Classification: Uncertain significance. Last evaluated: 2024-05-10. Review status: criteria provided, single submitter. Criteria: Invitae Variant Classification Sherloc (09022015). Collection method: clinical testing. Allele origin: germline.
Comment: This sequence change replaces lysine, which is basic and polar, with asparagine, which is neutral and polar, at codon 47 of the COL4A5 protein (p.Lys47Asn). This variant also falls at the last nucleotide of exon 2, which is part of the consensus splice site for this exon. This variant is present in population databases (no rsID available, gnomAD 0.01%). This variant has not been reported in the literature in individuals affected with COL4A5-related conditions. Experimental studies and prediction algorithms are not available or were not evaluated, and the functional significance of this variant is currently unknown. Variants that disrupt the consensus splice site are a relatively common cause of aberrant splicing (PMID: 17576681, 9536098). Algorithms developed to predict the effect of sequence changes on RNA splicing suggest that this variant may disrupt the consensus splice site. In summary, the available evidence is currently insufficient to determine the role of this variant in disease. Therefore, it has been classified as a Variant of Uncertain Significance.

Literature cited by the submitters: PubMed 17576681; PubMed 9536098.

NM_033380.3(COL4A5):c.141G>T (p.Lys47Asn)

Gene: COL4A5 (collagen type IV alpha 5 chain; plus strand). Cytogenetic location: Xq22.3.
Variant type: single nucleotide variant.
Coding change: c.141G>T on transcript NM_033380.3 (MANE Select); coding-DNA position 141, G replaced by T.
Protein change: p.Lys47Asn; replaces lysine 47 with asparagine.
Molecular consequence: missense variant.
Genome position (GRCh38, 1-based): chrX:108,539,805, G>T. VCF-style: chrX-108539805-G-T. GRCh37 (hg19) VCF-style: chrX-107783035-G-T.
Other names: c.141G>T, p.Lys47Asn (NM_000495.5); short protein forms K47N.
Identifiers: ClinVar variation 2828395 (VCV002828395.3), dbSNP rs1486934440, ClinGen allele CA413908930.